The following is an entry in ClinVar:

NM_002519.3(NPAT):c.1765A>T (p.Met589Leu)

Gene: NPAT (nuclear protein, coactivator of histone transcription; minus strand). Cytogenetic location: 11q22.3.
Variant type: single nucleotide variant.
Coding change: c.1765A>T on transcript NM_002519.3 (MANE Select); coding-DNA position 1765, A replaced by T.
Protein change: p.Met589Leu; replaces methionine 589 with leucine.
Molecular consequence: missense variant.
Genome position (GRCh38, 1-based): chr11:108,173,219, T>A on the plus strand (A>T on the coding strand, the complement: NPAT is on the minus strand). VCF-style: chr11-108173219-T-A. GRCh37 (hg19) VCF-style: chr11-108043946-T-A.
Other names: c.1765A>T, p.Met589Leu (NM_001321307.1); short protein forms M589L.
Identifiers: ClinVar variation 1779659 (VCV001779659.2), dbSNP rs1238955398, ClinGen allele CA382514404.

ClinVar aggregate classification (germline): Uncertain significance (1 of 4 stars; one submission).

gnomAD v4.1: 4 of 1,613,428 alleles (0.00025%); highest among the groups gnomAD compares: Non-Finnish European, 0.00025%; no homozygotes.

Submission:

Ambry Genetics
Classification: Uncertain significance. Last evaluated: 2022-02-02. Review status: criteria provided, single submitter. Criteria: Ambry Variant Classification Scheme 2023. Collection method: clinical testing. Allele origin: germline.
Comment: The p.M589L variant (also known as c.1765A>T), located in coding exon 13 of the NPAT gene, results from an A to T substitution at nucleotide position 1765. The methionine at codon 589 is replaced by leucine, an amino acid with highly similar properties. This amino acid position is conserved. In addition, this alteration is predicted to be tolerated by in silico analysis. Since supporting evidence is limited at this time, the clinical significance of this alteration remains unclear.